The following is an entry in ClinVar:

ClinVar aggregate classification (germline): Uncertain significance (1 of 4 stars; one submission).

Conditions:
Inborn genetic diseases. Identifiers: MedGen C0950123, MeSH D030342.

Submission:

Ambry Genetics
Classification: Uncertain significance for Inborn genetic diseases. Last evaluated: 2026-07-27. Review status: criteria provided, single submitter. Criteria: Ambry Variant Classification Scheme 2023. Collection method: clinical testing. Allele origin: germline.
Comment: The p.S1420R variant (also known as c.4260T>A), located in coding exon 1 of the SAMD9L gene, results from a T to A substitution at nucleotide position 4260. The serine at codon 1420 is replaced by arginine, an amino acid with dissimilar properties. This amino acid position is conserved. In addition, this alteration is predicted to be tolerated by in silico analysis. Based on the available evidence, the clinical significance of this variant remains unclear.

NM_152703.5(SAMD9L):c.4260T>A (p.Ser1420Arg)

Gene: SAMD9L (sterile alpha motif domain containing 9 like; minus strand). Cytogenetic location: 7q21.2.
Variant type: single nucleotide variant.
Coding change: c.4260T>A on transcript NM_152703.5 (MANE Select); coding-DNA position 4260, T replaced by A.
Protein change: p.Ser1420Arg; replaces serine 1420 with arginine.
Molecular consequence: missense variant.
Genome position (GRCh38, 1-based): chr7:93,131,712, A>T on the plus strand (T>A on the coding strand, the complement: SAMD9L is on the minus strand). VCF-style: chr7-93131712-A-T. GRCh37 (hg19) VCF-style: chr7-92761025-A-T.
Other names: c.4260T>A, p.Ser1420Arg (NM_001303496.3, NM_001303497.3, NM_001303498.3 and 5 more transcripts); short protein forms S1420R.
Identifiers: ClinVar variation 5028915 (VCV005028915.1).
Genomic context (GRCh38, chr7:93,131,712, plus strand): 5'-CTCTTGATTTTCTGGCCAGAACAGGAGGCAGGCCAAGAAATAAGGACCTGGATATTGATG[A>T]CTTAGTCCTACAAATTGCAAGACCTCTCGGAGTTGTTTTTTTAGCGTGGTAAGTGGTTGA-3'
Protein context (NP_689916.2, residues 1410-1430): LREVLQFVGL[Ser1420Arg]HQYPGPYFLA